The following is an entry in ClinVar:

NM_017654.4(SAMD9):c.16A>T (p.Asn6Tyr)

Gene: SAMD9 (sterile alpha motif domain containing 9; minus strand). Cytogenetic location: 7q21.2.
Variant type: single nucleotide variant.
Coding change: c.16A>T on transcript NM_017654.4 (MANE Select); coding-DNA position 16, A replaced by T.
Protein change: p.Asn6Tyr; replaces asparagine 6 with tyrosine.
Molecular consequence: missense variant.
Genome position (GRCh38, 1-based): chr7:93,106,082, T>A on the plus strand (A>T on the coding strand, the complement: SAMD9 is on the minus strand). VCF-style: chr7-93106082-T-A. GRCh37 (hg19) VCF-style: chr7-92735395-T-A.
Other names: c.16A>T, p.Asn6Tyr (NM_001193307.2); short protein forms N6Y.
Identifiers: ClinVar variation 4629893 (VCV004629893.1).
Genomic context (GRCh38, chr7:93,106,082, plus strand): 5'-GACTTTCTAACCACTGATTTACATCCTCTTTTGTCCAATCATCTGTATTTTCTGGAAGGT[T>A]AAGTTGCTTTGCCATTCTGATACCTATATGTAGAAAAAGAAAAATTATTTAGTATTATTA-3'
Protein context (NP_060124.2, residues 1-16): MAKQL[Asn6Tyr]LPENTDDWTK

ClinVar aggregate classification (germline): Uncertain significance (1 of 4 stars; one submission).

Conditions:
Inborn genetic diseases. Identifiers: MedGen C0950123, MeSH D030342.

Submission:

Ambry Genetics
Classification: Uncertain significance for Inborn genetic diseases. Last evaluated: 2025-10-25. Review status: criteria provided, single submitter. Criteria: Ambry Variant Classification Scheme 2023. Collection method: clinical testing. Allele origin: germline.
Comment: The p.N6Y variant (also known as c.16A>T), located in coding exon 1 of the SAMD9 gene, results from an A to T substitution at nucleotide position 16. The asparagine at codon 6 is replaced by tyrosine, an amino acid with dissimilar properties. This amino acid position is conserved. In addition, this alteration is predicted to be tolerated by in silico analysis. Based on the available evidence, the clinical significance of this variant remains unclear.